The following is an entry in ClinVar:

ClinVar aggregate classification (germline): Likely pathogenic (1 of 4 stars; one submission).

Conditions:
Cardiovascular phenotype. Identifiers: MedGen CN230736.
Hereditary cancer-predisposing syndrome. Also called: Hereditary Cancer Syndrome; Hereditary neoplastic syndrome; Neoplastic Syndromes, Hereditary; Tumor predisposition. Identifiers: Orphanet 140162, MedGen C0027672, MeSH D009386, MONDO:0015356.

Allele frequency attached by ClinVar (database versions not stated): gnomAD 0.00001.
gnomAD v4.1: 1 of 1,607,850 alleles (0.000062%); highest among the groups gnomAD compares: Admixed American, 0.0017%; no homozygotes.

Submission:

Ambry Genetics
Classification: Likely pathogenic for Cardiovascular phenotype; Hereditary cancer-predisposing syndrome. Last evaluated: 2021-04-02. Review status: criteria provided, single submitter. Criteria: Ambry Variant Classification Scheme 2023. Collection method: clinical testing. Allele origin: germline.
Comment: The c.6085-1G>T intronic variant results from a G to T substitution one nucleotide upstream from coding exon 41 of the NF1 gene. This nucleotide position is highly conserved in available vertebrate species. In silico splice site analysis predicts that this alteration will weaken the native splice acceptor site. Alterations that disrupt the canonical splice site are expected to cause aberrant splicing, resulting in an abnormal protein or a transcript that is subject to nonsense-mediated mRNA decay. As such, this alteration is classified as likely pathogenic.

NM_001042492.3(NF1):c.6148-1G>T

Gene: NF1 (neurofibromin 1; plus strand). Cytogenetic location: 17q11.2.
Variant type: single nucleotide variant.
Coding change: c.6148-1G>T on transcript NM_001042492.3 (MANE Select); the canonical splice acceptor site of the intron before coding-DNA position 6148, G replaced by T.
Molecular consequence: splice acceptor variant.
Genome position (GRCh38, 1-based): chr17:31,336,634, G>T. VCF-style: chr17-31336634-G-T. GRCh37 (hg19) VCF-style: chr17-29663652-G-T.
Other names: c.6085-1G>T (NM_000267.4).
Identifiers: ClinVar variation 1751474 (VCV001751474.2), dbSNP rs1555534661, ClinGen allele CA399011665.
Genomic context (GRCh38, chr17:31,336,634, plus strand): 5'-GTGCTAAAACTTTGAGTCCCATGTTTTTTTTTTTAAAAAAAAAAATCCTGCTTCTTTACA[G>T]GTTATTGGAAGGATGTGCAAAATAATTGACAAGACATGCTTATCTCCAACTCCTACTTTA-3'